The following is an entry in ClinVar:

ClinVar aggregate classification (germline): Conflicting classifications of pathogenicity. Review status: criteria provided, conflicting classifications (1 of 4 stars). 3 submissions from 3 submitters: Uncertain significance (1); Likely benign (1). 1 of the submissions does not count toward it. Last evaluated 2025-12-26.

Conditions:
MAGEL2-related disorder. Also called: MAGEL2-related condition.
Inborn genetic diseases. Identifiers: MedGen C0950123, MeSH D030342.

Allele frequency attached by ClinVar (database versions not stated): TOPMed 0.00002.

Submissions (3):

Labcorp Genetics (formerly Invitae), Labcorp
Classification: Uncertain significance. Last evaluated: 2025-12-26. Review status: criteria provided, single submitter. Criteria: Invitae Variant Classification Sherloc (09022015). Collection method: clinical testing. Allele origin: germline.
Comment: This sequence change replaces proline, which is neutral and non-polar, with leucine, which is neutral and non-polar, at codon 569 of the MAGEL2 protein (p.Pro569Leu). This variant is present in population databases (no rsID available, gnomAD 0.02%). This variant has not been reported in the literature in individuals affected with MAGEL2-related conditions. ClinVar contains an entry for this variant (Variation ID: 2208254). Experimental studies and prediction algorithms are not available or were not evaluated, and the functional significance of this variant is currently unknown. In summary, the available evidence is currently insufficient to determine the role of this variant in disease. Therefore, it has been classified as a Variant of Uncertain Significance.

Ambry Genetics
Classification: Likely benign for Inborn genetic diseases. Last evaluated: 2021-07-21. Review status: criteria provided, single submitter. Criteria: Ambry Variant Classification Scheme 2023. Collection method: clinical testing. Allele origin: germline.

PreventionGenetics, part of Exact Sciences
Classification: Uncertain significance for MAGEL2-related condition. Last evaluated: 2024-02-22. Review status: no assertion criteria provided. Collection method: clinical testing. Allele origin: germline. Not counted in ClinVar's aggregate classification.
Comment: The MAGEL2 c.1706C>T variant is predicted to result in the amino acid substitution p.Pro569Leu. To our knowledge, this variant has not been reported in the literature. This variant is reported in 0.020% of alleles in individuals of European (Finnish) descent in gnomAD. At this time, the clinical significance of this variant is uncertain due to the absence of conclusive functional and genetic evidence.

NM_019066.5(MAGEL2):c.1706C>T (p.Pro569Leu)

Gene: MAGEL2 (MAGE family member L2; minus strand). Cytogenetic location: 15q11.2.
Variant type: single nucleotide variant.
Coding change: c.1706C>T on transcript NM_019066.5 (MANE Select); coding-DNA position 1706, C replaced by T.
Protein change: p.Pro569Leu; replaces proline 569 with leucine.
Molecular consequence: missense variant.
Genome position (GRCh38, 1-based): chr15:23,646,037, G>A on the plus strand (C>T on the coding strand, the complement: MAGEL2 is on the minus strand). VCF-style: chr15-23646037-G-A. GRCh37 (hg19) VCF-style: chr15-23891184-G-A.
Other names: short protein forms P569L.
Identifiers: ClinVar variation 2208254 (VCV002208254.5), dbSNP rs576073679, ClinGen allele CA391333492.
Genomic context (GRCh38, chr15:23,646,037, plus strand): 5'-GCCTGCCAGATGATGGAAGGGCAGTGCACAGCCTGCGGGGCAGACAGTGGGGCAGACAGC[G>A]GGGCCGGCAGCACAGGCTGGGGCACCTGCGGGCCAGCGGGCGGCGCCGCGGGTACCTGCG-3'
Protein context (NP_061939.3, residues 559-579): PQVPQPVLPA[Pro569Leu]LSAPLSAPQA